The following is an entry in ClinVar:

NM_000477.7(ALB):c.1448A>G (p.Gln483Arg)

Gene: ALB (albumin; plus strand). Cytogenetic location: 4q13.3.
Variant type: single nucleotide variant.
Coding change: c.1448A>G on transcript NM_000477.7 (MANE Select); coding-DNA position 1448, A replaced by G.
Protein change: p.Gln483Arg; replaces glutamine 483 with arginine.
Molecular consequence: missense variant.
Genome position (GRCh38, 1-based): chr4:73,418,107, A>G. VCF-style: chr4-73418107-A-G. GRCh37 (hg19) VCF-style: chr4-74283824-A-G.
Other names: short protein forms Q483R.
Identifiers: ClinVar variation 4705784 (VCV004705784.1).

ClinVar aggregate classification (germline): Uncertain significance (1 of 4 stars; one submission).

Submission:

Labcorp Genetics (formerly Invitae), Labcorp
Classification: Uncertain significance. Last evaluated: 2025-07-27. Review status: criteria provided, single submitter. Criteria: Invitae Variant Classification Sherloc (09022015). Collection method: clinical testing. Allele origin: germline.
Comment: This sequence change replaces glutamine, which is neutral and polar, with arginine, which is basic and polar, at codon 483 of the ALB protein (p.Gln483Arg). This variant is present in population databases (rs146129389, gnomAD 0.03%). This variant has not been reported in the literature in individuals affected with ALB-related conditions. Invitae Evidence Modeling of protein sequence and biophysical properties (such as structural, functional, and spatial information, amino acid conservation, physicochemical variation, residue mobility, and thermodynamic stability) indicates that this missense variant is not expected to disrupt ALB protein function with a negative predictive value of 80%. In summary, the available evidence is currently insufficient to determine the role of this variant in disease. Therefore, it has been classified as a Variant of Uncertain Significance.